The following is an entry in ClinVar:

NM_057175.5(NAA15):c.908G>A (p.Gly303Asp)

Gene: NAA15 (N-alpha-acetyltransferase 15, NatA auxiliary subunit; plus strand). Cytogenetic location: 4q31.1.
Variant type: single nucleotide variant.
Coding change: c.908G>A on transcript NM_057175.5 (MANE Select); coding-DNA position 908, G replaced by A.
Protein change: p.Gly303Asp; replaces glycine 303 with aspartic acid.
Molecular consequence: missense variant.
Genome position (GRCh38, 1-based): chr4:139,351,505, G>A. VCF-style: chr4-139351505-G-A. GRCh37 (hg19) VCF-style: chr4-140272659-G-A.
Other names: c.908G>A, p.Gly303Asp (NM_001410842.1); short protein forms G303D.
Identifiers: ClinVar variation 5019275 (VCV005019275.2).

ClinVar aggregate classification (germline): Uncertain significance (1 of 4 stars; one submission).

Conditions:
Intellectual developmental disorder, autosomal dominant 50, with behavioral abnormalities. Also called: MENTAL RETARDATION, AUTOSOMAL DOMINANT 50; Intellectual disability, autosomal dominant 50. Identifiers: MedGen C4540470, MONDO:0030916, OMIM 617787.

gnomAD v4.1: 2 of 1,564,970 alleles (0.00013%); highest among the groups gnomAD compares: Non-Finnish European, 0.00018%; no homozygotes.

Submission:

Juno Genomics, Hangzhou Juno Genomics, Inc
Classification: Uncertain significance for Intellectual developmental disorder, autosomal dominant 50, with behavioral abnormalities. Review status: criteria provided, single submitter. Criteria: ACMG Guidelines, 2015. Collection method: clinical testing. Allele origin: germline.
Comment: Absent from controls (or at extremely low frequency if recessive) in Genome Aggregation Database.;Multiple lines of computational evidence support a deleterious effect on the gene or gene product.